The following is an entry in ClinVar:

NM_001354604.2(MITF):c.367del (p.Leu123fs)

Gene: MITF (melanocyte inducing transcription factor; plus strand). Cytogenetic location: 3p13.
Variant type: Deletion.
Coding change: c.367del on transcript NM_001354604.2 (MANE Select); coding-DNA position 367, one base deleted (C; older notation c.367delC).
Protein change: p.Leu123fs; shifts the reading frame from leucine 123.
Molecular consequence: frameshift variant.
Genome position (GRCh38, 1-based): chr3:69,937,834, C deleted; the last of 2 consecutive C bases (chr3:69,937,833-69,937,834); deleting either gives the same sequence. VCF-style (leftmost placement, unchanged base first): chr3-69937832-AC-A. GRCh37 (hg19) VCF-style: chr3-69986983-AC-A.
Other names: c.46del, p.Leu16fs (NM_000248.4, NM_001184968.2, NM_198158.3 and 1 more transcripts); c.211del, p.Leu71fs (NM_001184967.2, NM_001354608.2); c.364del, p.Leu122fs (NM_001354605.2, NM_001354606.2, NM_006722.3); c.316del, p.Leu106fs (NM_001354607.2); c.367del, p.Leu123fs (NM_198159.3); c.319del, p.Leu107fs (NM_198177.3); short protein forms L123fs, L71fs, L106fs, L122fs, L16fs, L107fs.
Identifiers: ClinVar variation 2922420 (VCV002922420.3), dbSNP rs2471584748, ClinGen allele CA2740094489.
Genomic context (GRCh38, chr3:69,937,832, plus strand): 5'-AACTCACAAATAACAGCGCTGTTTTCTTTTCCCTCCATGGCTATGTTCAGGTGCAGACCC[AC>A]CTCGAAAACCCCACCAAGTACCACATACAGCAAGCCCAACGGCAGCAGGTAAAGCAGTAC-3'

ClinVar aggregate classification (germline): Pathogenic (1 of 4 stars; one submission).

Conditions:
Tietz syndrome (TADS). Also called: HYPOPIGMENTATION/DEAFNESS OF TIETZ; ALBINISM-DEAFNESS OF TIETZ; TIETZ ALBINISM-DEAFNESS SYNDROME. Identifiers: Orphanet 42665, MedGen C0391816, MONDO:0007077, OMIM 103500.
Melanoma, cutaneous malignant, susceptibility to, 8. Also called: Cutaneous malignant melanoma 8; MELANOMA AND RENAL CELL CARCINOMA, SUSCEPTIBILITY TO. Identifiers: Orphanet 293822, MedGen C3152204, MONDO:0013759, OMIM 614456.
Waardenburg syndrome type 2A (WS2A). Also called: WAARDENBURG SYNDROME WITHOUT DYSTOPIA CANTHORUM. Identifiers: Orphanet 3440, MedGen C1860339, MONDO:0008671, OMIM 193510.

Submission:

Labcorp Genetics (formerly Invitae), Labcorp
Classification: Pathogenic for Melanoma, cutaneous malignant, susceptibility to, 8; Waardenburg syndrome type 2A; Tietz syndrome. Last evaluated: 2024-01-24. Review status: criteria provided, single submitter. Criteria: Invitae Variant Classification Sherloc (09022015). Collection method: clinical testing. Allele origin: germline.
Comment: This sequence change creates a premature translational stop signal (p.Leu16Serfs*17) in the MITF gene. It is expected to result in an absent or disrupted protein product. Loss-of-function variants in MITF are known to be pathogenic (PMID: 8659547, 20127975). This variant is not present in population databases (gnomAD no frequency). This variant has not been reported in the literature in individuals affected with MITF-related conditions. For these reasons, this variant has been classified as Pathogenic.

Literature cited by the submitters: PubMed 8659547; PubMed 20127975.